The following is an entry in ClinVar:

NM_004727.3(SLC24A1):c.1672T>G (p.Leu558Val)

Gene: SLC24A1 (solute carrier family 24 member 1; plus strand). Cytogenetic location: 15q22.31.
Variant type: single nucleotide variant.
Coding change: c.1672T>G on transcript NM_004727.3 (MANE Select); coding-DNA position 1672, T replaced by G.
Protein change: p.Leu558Val; replaces leucine 558 with valine.
Molecular consequence: missense variant.
Genome position (GRCh38, 1-based): chr15:65,625,752, T>G. VCF-style: chr15-65625752-T-G. GRCh37 (hg19) VCF-style: chr15-65918090-T-G.
Other names: c.1672T>G, p.Leu558Val (NM_001301031.1, NM_001301032.1, NM_001301033.2 and 1 more transcripts); short protein forms L558V.
Identifiers: ClinVar variation 2125505 (VCV002125505.4), dbSNP rs2074490811, ClinGen allele CA392918250.

ClinVar aggregate classification (germline): Uncertain significance (1 of 4 stars; one submission).

Allele frequency attached by ClinVar (database versions not stated): TOPMed below 0.00001.

Submission:

Labcorp Genetics (formerly Invitae), Labcorp
Classification: Uncertain significance. Last evaluated: 2024-11-05. Review status: criteria provided, single submitter. Criteria: Invitae Variant Classification Sherloc (09022015). Collection method: clinical testing. Allele origin: germline.
Comment: This sequence change replaces leucine, which is neutral and non-polar, with valine, which is neutral and non-polar, at codon 558 of the SLC24A1 protein (p.Leu558Val). This variant is not present in population databases (gnomAD no frequency). This variant has not been reported in the literature in individuals affected with SLC24A1-related conditions. ClinVar contains an entry for this variant (Variation ID: 2125505). An algorithm developed to predict the effect of missense changes on protein structure and function (PolyPhen-2) suggests that this variant is likely to be disruptive. In summary, the available evidence is currently insufficient to determine the role of this variant in disease. Therefore, it has been classified as a Variant of Uncertain Significance.